The following is an entry in ClinVar:

NM_000090.4(COL3A1):c.712C>T (p.Arg238Ter)

Gene: COL3A1 (collagen type III alpha 1 chain; plus strand). Cytogenetic location: 2q32.2.
Variant type: single nucleotide variant.
Coding change: c.712C>T on transcript NM_000090.4 (MANE Select); coding-DNA position 712, C replaced by T.
Protein change: p.Arg238Ter; replaces arginine 238 with a stop codon.
Molecular consequence: nonsense.
Genome position (GRCh38, 1-based): chr2:188,990,117, C>T. VCF-style: chr2-188990117-C-T. GRCh37 (hg19) VCF-style: chr2-189854843-C-T.
Other names: short protein forms R238*.
Identifiers: ClinVar variation 519603 (VCV000519603.16), dbSNP rs1393544920, ClinGen allele CA349849007.

ClinVar aggregate classification (germline): Pathogenic/Likely pathogenic. Review status: criteria provided, multiple submitters, no conflicts (2 of 4 stars). 5 submissions from 5 submitters: Pathogenic (4); Likely pathogenic (1). Last evaluated 2025-12-14.

Conditions:
Polymicrogyria with or without vascular-type Ehlers-Danlos syndrome. Identifiers: Orphanet 636941, MedGen C5193040, MONDO:0032688, OMIM 618343.
Ehlers-Danlos syndrome, type 4 (EDSVASC). Also called: Ehlers-Danlos syndrome vascular type; Ehlers Danlos syndrome, ecchymotic type; Ehlers Danlos syndrome, arterial type; Ehlers Danlos syndrome, Sack-Barabas type; Ehlers-Danlos Syndrome Type IV. Identifiers: Orphanet 286, MedGen C0268338, MONDO:0017314, OMIM 130050.
Familial thoracic aortic aneurysm and aortic dissection (TAAD). Also called: Thoracic aortic aneurysms and dissections. Identifiers: Orphanet 91387, MedGen C4707243, MONDO:0019625.

Allele frequency attached by ClinVar (database versions not stated): gnomAD exomes below 0.00001; TOPMed 0.00001.
gnomAD v4.1: 1 of 1,613,628 alleles (0.000062%); highest among the groups gnomAD compares: Non-Finnish European, 0.000085%; no homozygotes.

Submissions (5):

Labcorp Genetics (formerly Invitae), Labcorp
Classification: Pathogenic for Ehlers-Danlos syndrome, type 4. Last evaluated: 2025-12-14. Review status: criteria provided, single submitter. Criteria: Invitae Variant Classification Sherloc (09022015). Collection method: clinical testing. Allele origin: germline.
Comment: This sequence change creates a premature translational stop signal (p.Arg238*) in the COL3A1 gene. It is expected to result in an absent or disrupted protein product. Loss-of-function variants in COL3A1 are known to be pathogenic (PMID: 24922459). This variant is not present in population databases (gnomAD no frequency). This variant has not been reported in the literature in individuals affected with COL3A1-related conditions. ClinVar contains an entry for this variant (Variation ID: 519603). For these reasons, this variant has been classified as Pathogenic.

Color Diagnostics, LLC DBA Color Health
Classification: Pathogenic for Familial thoracic aortic aneurysm and aortic dissection. Last evaluated: 2025-07-14. Review status: criteria provided, single submitter. Criteria: ACMG Guidelines, 2015. Collection method: clinical testing. Allele origin: germline.
Comment: This variant changes 1 nucleotide in exon 9 of the COL3A1 gene, creating a premature translation stop signal. This variant is expected to result in an absent or non-functional protein product. This variant has been reported in an individual affected with spontaneous coronary artery dissection (PMID: 33125268) and in an individual affected with spinal artery dissection (PMID: 38344356). This variant has not been identified in the general population by the Genome Aggregation Database (gnomAD). Loss of COL3A1 function is a known mechanism of disease. Based on the available evidence, this variant is classified as Pathogenic.

Ambry Genetics
Classification: Pathogenic for Familial thoracic aortic aneurysm and aortic dissection. Last evaluated: 2023-03-01. Review status: criteria provided, single submitter. Criteria: Ambry Variant Classification Scheme 2023. Collection method: clinical testing. Allele origin: germline.
Comment: The p.R238* pathogenic mutation (also known as c.712C>T), located in coding exon 9 of the COL3A1 gene, results from a C to T substitution at nucleotide position 712. This changes the amino acid from an arginine to a stop codon within coding exon 9. This variant is considered to be rare based on population cohorts in the Genome Aggregation Database (gnomAD). This alteration is expected to result in loss of function by premature protein truncation or nonsense-mediated mRNA decay. As such, this alteration is interpreted as a disease-causing mutation.

CHEO Genetics Diagnostic Laboratory, Children's Hospital of Eastern Ontario
Classification: Likely pathogenic for Familial thoracic aortic aneurysm and aortic dissection. Last evaluated: 2019-02-21. Review status: criteria provided, single submitter. Criteria: ACMG Guidelines, 2015. Collection method: clinical testing. Allele origin: germline.

Juno Genomics, Hangzhou Juno Genomics, Inc
Classification: Pathogenic for Ehlers-Danlos syndrome, type 4; Polymicrogyria with or without vascular-type Ehlers-Danlos syndrome. Review status: criteria provided, single submitter. Criteria: ACMG Guidelines, 2015. Collection method: clinical testing. Allele origin: germline. Affected: yes.
Comment: Null variant in a gene where loss of function (LOF) is a known mechanism of disease.;Absent from controls (or at extremely low frequency if recessive) in Genome Aggregation Database, Exome Sequencing Project, 1000 Genomes Project, or Exome Aggregation Consortium.;Patient's phenotype or family history is highly specific for a disease with a single genetic etiology.

Literature cited by the submitters: PubMed 24922459 (cited by Labcorp Genetics (formerly Invitae), Labcorp); PubMed 33125268 (cited by Color Diagnostics, LLC DBA Color Health); PubMed 38344356 (cited by Color Diagnostics, LLC DBA Color Health).